The following is an entry in ClinVar:

NM_001082486.2(ACD):c.46C>A (p.Leu16Met)

Gene: ACD (ACD shelterin complex subunit and telomerase recruitment factor; minus strand). Cytogenetic location: 16q22.1.
Variant type: single nucleotide variant.
Coding change: c.46C>A on transcript NM_001082486.2 (MANE Select); coding-DNA position 46, C replaced by A.
Protein change: p.Leu16Met; replaces leucine 16 with methionine.
Molecular consequence: missense variant.
Genome position (GRCh38, 1-based): chr16:67,660,175, G>T on the plus strand (C>A on the coding strand, the complement: ACD is on the minus strand). VCF-style: chr16-67660175-G-T. GRCh37 (hg19) VCF-style: chr16-67694078-G-T.
Other names: p.Leu16Met; c.46C>A, p.Leu16Met (NM_022914.3); short protein forms L16M.
Identifiers: ClinVar variation 1015326 (VCV001015326.11), dbSNP rs200365807, ClinGen allele CA8114843.

ClinVar aggregate classification (germline): Uncertain significance. Review status: criteria provided, multiple submitters, no conflicts (2 of 4 stars). 4 submissions from 4 submitters: Uncertain significance (4). Last evaluated 2025-12-26.

Conditions:
Inborn genetic diseases. Identifiers: MedGen C0950123, MeSH D030342.
Dyskeratosis congenita, autosomal dominant 6 (DKCA6). Identifiers: Orphanet 3322, MedGen C4225284, MONDO:0014690, OMIM 616553.

Allele frequency attached by ClinVar (database versions not stated): 1000 Genomes Project 30x 0.00016; ESP Exome Variant Server 0.00031; gnomAD 0.00041 and 0.00044; TOPMed 0.00045.
gnomAD v4.1: 114 of 1,612,616 alleles (0.0071%); highest among the groups gnomAD compares: African/African-American, 0.12%; no homozygotes.

Submissions (4):

Labcorp Genetics (formerly Invitae), Labcorp
Classification: Uncertain significance for Dyskeratosis congenita, autosomal dominant 6. Last evaluated: 2025-12-26. Review status: criteria provided, single submitter. Criteria: Invitae Variant Classification Sherloc (09022015). Collection method: clinical testing. Allele origin: germline.
Comment: This sequence change replaces leucine, which is neutral and non-polar, with methionine, which is neutral and non-polar, at codon 102 of the ACD protein (p.Leu102Met). This variant is present in population databases (rs200365807, gnomAD 0.1%). This variant has not been reported in the literature in individuals affected with ACD-related conditions. ClinVar contains an entry for this variant (Variation ID: 1015326). Invitae Evidence Modeling of protein sequence and biophysical properties (such as structural, functional, and spatial information, amino acid conservation, physicochemical variation, residue mobility, and thermodynamic stability) indicates that this missense variant is expected to disrupt ACD protein function with a positive predictive value of 80%. In summary, the available evidence is currently insufficient to determine the role of this variant in disease. Therefore, it has been classified as a Variant of Uncertain Significance.

Mayo Clinic Laboratories, Mayo Clinic
Classification: Uncertain significance. Last evaluated: 2025-12-13. Review status: criteria provided, single submitter. Criteria: ACMG Guidelines, 2015. Collection method: clinical testing. Allele origin: germline. Observed: 1 variant allele.
Comment: BP4

Blueprint Genetics
Classification: Uncertain significance. Last evaluated: 2024-11-26. Review status: criteria provided, single submitter. Criteria: ACMG Guidelines, 2015. Collection method: clinical testing. Allele origin: germline.

Ambry Genetics
Classification: Uncertain significance for Inborn genetic diseases. Last evaluated: 2023-07-25. Review status: criteria provided, single submitter. Criteria: Ambry Variant Classification Scheme 2023. Collection method: clinical testing. Allele origin: germline.